The following is an entry in ClinVar:

NM_018365.4(MNS1):c.1274G>A (p.Arg425His)

Genes: MNS1 (meiosis specific nuclear structural 1; minus strand), TEX9 (testis expressed 9; plus strand). Cytogenetic location: 15q21.3.
Variant type: single nucleotide variant.
Coding change: c.1274G>A on transcript NM_018365.4 (MANE Select); coding-DNA position 1274, G replaced by A.
Protein change: p.Arg425His; replaces arginine 425 with histidine.
Molecular consequence: missense variant. On other transcripts: intron variant (3).
Genome position (GRCh38, 1-based): chr15:56,431,494, C>T on the plus strand (G>A on the coding strand, the complement: MNS1 is on the minus strand). VCF-style: chr15-56431494-C-T. GRCh37 (hg19) VCF-style: chr15-56723692-C-T.
Other names: c.*29+3021C>T (NM_001286449.2, NM_198524.3, NM_001385043.1); short protein forms R425H.
Identifiers: ClinVar variation 3046071 (VCV003046071.2), dbSNP rs144217705, ClinGen allele CA7579293.

ClinVar aggregate classification (germline): Likely benign (0 of 4 stars; one submission).

Conditions:
MNS1-related disorder. Also called: MNS1-related condition.

Allele frequency attached by ClinVar (database versions not stated): ESP Exome Variant Server 0.00123; gnomAD 0.00135; gnomAD exomes 0.00152; 1000 Genomes Project 0.00060; TOPMed 0.00133; 1000 Genomes Project 30x 0.00047; ExAC 0.00149.
gnomAD v4.1: 2,439 of 1,613,420 alleles (0.15%); highest among the groups gnomAD compares: South Asian, 0.35%; 7 homozygotes.

Submission:

PreventionGenetics, part of Exact Sciences
Classification: Likely benign for MNS1-related condition. Last evaluated: 2023-02-20. Review status: no assertion criteria provided. Collection method: clinical testing. Allele origin: germline.
Comment: This variant is classified as likely benign based on ACMG/AMP sequence variant interpretation guidelines (Richards et al. 2015 PMID: 25741868, with internal and published modifications).